The following is an entry in ClinVar:

ClinVar aggregate classification (germline): Conflicting classifications of pathogenicity. Review status: criteria provided, conflicting classifications (1 of 4 stars). 3 submissions from 3 submitters: Uncertain significance (1); Likely benign (2). Last evaluated 2024-10-19.

Conditions:
Inborn genetic diseases. Identifiers: MedGen C0950123, MeSH D030342.

Allele frequency attached by ClinVar (database versions not stated): ExAC 0.00001; gnomAD 0.00004; TOPMed 0.00004; gnomAD exomes 0.00006.
gnomAD v4.1: 65 of 1,206,850 alleles (0.0054%); highest among the groups gnomAD compares: Non-Finnish European, 0.0072%; no homozygotes.

Submissions (3):

Ambry Genetics
Classification: Likely benign for Inborn genetic diseases. Last evaluated: 2024-10-19. Review status: criteria provided, single submitter. Criteria: Ambry Variant Classification Scheme 2023. Collection method: clinical testing. Allele origin: germline.

CeGaT Center for Human Genetics Tuebingen
Classification: Likely benign. Last evaluated: 2023-10-01. Review status: criteria provided, single submitter. Criteria: CeGaT Center For Human Genetics Tuebingen Variant Classification Criteria Version 2. Collection method: clinical testing. Allele origin: germline. Affected: yes. Observed: 1 variant allele.
Comment: COX7B: BP4, BS2

Labcorp Genetics (formerly Invitae), Labcorp
Classification: Uncertain significance. Last evaluated: 2022-11-23. Review status: criteria provided, single submitter. Criteria: Invitae Variant Classification Sherloc (09022015). Collection method: clinical testing. Allele origin: germline.
Comment: Algorithms developed to predict the effect of missense changes on protein structure and function (SIFT, PolyPhen-2, Align-GVGD) all suggest that this variant is likely to be tolerated. In summary, the available evidence is currently insufficient to determine the role of this variant in disease. Therefore, it has been classified as a Variant of Uncertain Significance. This sequence change replaces lysine, which is basic and polar, with arginine, which is basic and polar, at codon 36 of the COX7B protein (p.Lys36Arg). This variant is present in population databases (rs782304953, gnomAD 0.007%). This variant has not been reported in the literature in individuals affected with COX7B-related conditions.

NM_001866.3(COX7B):c.107A>G (p.Lys36Arg)

Gene: COX7B (cytochrome c oxidase subunit 7B; plus strand). Cytogenetic location: Xq21.1.
Variant type: single nucleotide variant.
Coding change: c.107A>G on transcript NM_001866.3 (MANE Select); coding-DNA position 107, A replaced by G.
Protein change: p.Lys36Arg; replaces lysine 36 with arginine.
Molecular consequence: missense variant.
Genome position (GRCh38, 1-based): chrX:77,902,709, A>G. VCF-style: chrX-77902709-A-G. GRCh37 (hg19) VCF-style: chrX-77158206-A-G.
Other names: c.107A>G (NM_001866.2); short protein forms K36R.
Identifiers: ClinVar variation 2660959 (VCV002660959.28), dbSNP rs782304953, ClinGen allele CA10458682.
Genomic context (GRCh38, chrX:77,902,709, plus strand): 5'-GCATTCAGCAAACAATGGCAAGGCAGAGCCACCAGAAACGTACACCTGATTTTCATGACA[A>G]ATACGGTAATGCTGTATTAGCTAGTGGAGCCACTTTCTGTATTGTTACATGGACATATGT-3'
Protein context (NP_001857.1, residues 26-46): HQKRTPDFHD[Lys36Arg]YGNAVLASGA